The following is an entry in ClinVar:

NM_018993.4(RIN2):c.1426C>G (p.Pro476Ala)

Gene: RIN2 (Ras and Rab interactor 2; plus strand). Cytogenetic location: 20p11.23.
Variant type: single nucleotide variant.
Coding change: c.1426C>G on transcript NM_018993.4 (MANE Select); coding-DNA position 1426, C replaced by G.
Protein change: p.Pro476Ala; replaces proline 476 with alanine.
Molecular consequence: missense variant.
Genome position (GRCh38, 1-based): chr20:19,975,451, C>G. VCF-style: chr20-19975451-C-G. GRCh37 (hg19) VCF-style: chr20-19956095-C-G.
Other names: c.1573C>G, p.Pro525Ala (NM_001242581.2); c.808C>G, p.Pro270Ala (NM_001378238.1); short protein forms P476A, P270A, P525A.
Identifiers: ClinVar variation 1357401 (VCV001357401.6), dbSNP rs2146323161, ClinGen allele CA408362556.

ClinVar aggregate classification (germline): Uncertain significance (1 of 4 stars; one submission).

Submission:

Labcorp Genetics (formerly Invitae), Labcorp
Classification: Uncertain significance. Last evaluated: 2021-10-06. Review status: criteria provided, single submitter. Criteria: Invitae Variant Classification Sherloc (09022015). Collection method: clinical testing. Allele origin: germline.
Comment: In summary, the available evidence is currently insufficient to determine the role of this variant in disease. Therefore, it has been classified as a Variant of Uncertain Significance. Algorithms developed to predict the effect of missense changes on protein structure and function are either unavailable or do not agree on the potential impact of this missense change (SIFT: "Tolerated"; PolyPhen-2: "Not Available"; Align-GVGD: "Class C0"). This variant has not been reported in the literature in individuals affected with RIN2-related conditions. This variant is not present in population databases (ExAC no frequency). This sequence change replaces proline with alanine at codon 476 of the RIN2 protein (p.Pro476Ala). The proline residue is highly conserved and there is a small physicochemical difference between proline and alanine.